The following is an entry in ClinVar:

ClinVar aggregate classification (germline): Benign (1 of 4 stars; one submission).

Conditions:
Leigh syndrome (NULS). Also called: Leigh's necrotizing encephalopathy; Leigh's disease; Leigh Syndrome (mtDNA deletion); Leigh Disease; Subacute necrotizing encephalopathy; Necrotizing encephalopathy infantile subacute of Leigh. Identifiers: Orphanet 506, MedGen C2931891, MONDO:0009723, OMIM 256000.

Submission:

Wong Mito Lab, Molecular and Human Genetics, Baylor College of Medicine
Classification: Benign for Leigh syndrome. Last evaluated: 2019-10-17. Review status: criteria provided, single submitter. Criteria: Modified ACMG Guidelines (Unpublished). Collection method: clinical testing. Allele origin: germline.
Comment: The NC_012920.1:m.8869A>G (YP_003024031.1:p.Met115Val) variant in MTATP6 gene is interpretated to be a Benign variant based on the modified ACMG guidelines (unpublished). This variant meets the following evidence codes: BS1, BS2, BP4

NC_012920.1(MT-ATP6):m.8869A>G

Gene: MT-ATP6 (mitochondrially encoded ATP synthase 6; plus strand).
Variant type: single nucleotide variant.
Genome position: chrM-8869-A-G.
Identifiers: ClinVar variation 693009 (VCV000693009.1), dbSNP rs41432347, ClinGen allele CA337098094.